The following is an entry in ClinVar:

ClinVar aggregate classification (germline): Uncertain significance. Review status: criteria provided, multiple submitters, no conflicts (2 of 4 stars). 2 submissions from 2 submitters: Uncertain significance (2). Last evaluated 2025-08-18.

Conditions:
Inborn genetic diseases. Identifiers: MedGen C0950123, MeSH D030342.
Baller-Gerold syndrome (BGS). Also called: CRANIOSYNOSTOSIS WITH RADIAL DEFECTS. Identifiers: Orphanet 1225, MedGen C0265308, MONDO:0009039, OMIM 218600.

Allele frequency attached by ClinVar (database versions not stated): ExAC 0.00001; gnomAD 0.00001; gnomAD exomes 0.00001 and 0.00002; TOPMed 0.00002.

Submissions (2):

Labcorp Genetics (formerly Invitae), Labcorp
Classification: Uncertain significance for Baller-Gerold syndrome. Last evaluated: 2025-08-18. Review status: criteria provided, single submitter. Criteria: Invitae Variant Classification Sherloc (09022015). Collection method: clinical testing. Allele origin: germline.
Comment: This sequence change replaces proline, which is neutral and non-polar, with serine, which is neutral and polar, at codon 950 of the RECQL4 protein (p.Pro950Ser). This variant is present in population databases (rs775475361, gnomAD 0.006%). This variant has not been reported in the literature in individuals affected with RECQL4-related conditions. ClinVar contains an entry for this variant (Variation ID: 851065). Invitae Evidence Modeling of protein sequence and biophysical properties (such as structural, functional, and spatial information, amino acid conservation, physicochemical variation, residue mobility, and thermodynamic stability) indicates that this missense variant is not expected to disrupt RECQL4 protein function with a negative predictive value of 80%. In summary, the available evidence is currently insufficient to determine the role of this variant in disease. Therefore, it has been classified as a Variant of Uncertain Significance.

Ambry Genetics
Classification: Uncertain significance for Inborn genetic diseases. Last evaluated: 2024-11-20. Review status: criteria provided, single submitter. Criteria: Ambry Variant Classification Scheme 2023. Collection method: clinical testing. Allele origin: germline.
Comment: The p.P950S variant (also known as c.2848C>T), located in coding exon 16 of the RECQL4 gene, results from a C to T substitution at nucleotide position 2848. The proline at codon 950 is replaced by serine, an amino acid with similar properties. This amino acid position is conserved. Based on the available evidence, the clinical significance of this variant remains unclear.

NM_004260.4(RECQL4):c.2848C>T (p.Pro950Ser)

Gene: RECQL4 (RecQ like helicase 4; minus strand). Cytogenetic location: 8q24.3.
Variant type: single nucleotide variant.
Coding change: c.2848C>T on transcript NM_004260.4 (MANE Select); coding-DNA position 2848, C replaced by T.
Protein change: p.Pro950Ser; replaces proline 950 with serine.
Molecular consequence: missense variant.
Genome position (GRCh38, 1-based): chr8:144,512,679, G>A on the plus strand (C>T on the coding strand, the complement: RECQL4 is on the minus strand). VCF-style: chr8-144512679-G-A. GRCh37 (hg19) VCF-style: chr8-145738062-G-A.
Other names: short protein forms P950S.
Identifiers: ClinVar variation 851065 (VCV000851065.7), dbSNP rs775475361, ClinGen allele CA4948054.